The following is an entry in ClinVar:

ClinVar aggregate classification (germline): Uncertain significance (1 of 4 stars; one submission).

Conditions:
Hereditary cancer-predisposing syndrome. Also called: Neoplastic Syndromes, Hereditary; Hereditary Cancer Syndrome; Tumor predisposition; Hereditary neoplastic syndrome. Identifiers: Orphanet 140162, MedGen C0027672, MeSH D009386, MONDO:0015356.

Submission:

Ambry Genetics
Classification: Uncertain significance for Hereditary cancer-predisposing syndrome. Last evaluated: 2024-12-15. Review status: criteria provided, single submitter. Criteria: Ambry Variant Classification Scheme 2023. Collection method: clinical testing. Allele origin: germline.
Comment: The p.A1866V variant (also known as c.5597C>T), located in coding exon 41 of the POLE gene, results from a C to T substitution at nucleotide position 5597. The alanine at codon 1866 is replaced by valine, an amino acid with similar properties. This amino acid position is conserved. In addition, the in silico prediction for this alteration is inconclusive. Based on the available evidence, the clinical significance of this variant remains unclear.

NM_006231.4(POLE):c.5597C>T (p.Ala1866Val)

Gene: POLE (DNA polymerase epsilon, catalytic subunit; minus strand). Cytogenetic location: 12q24.33.
Variant type: single nucleotide variant.
Coding change: c.5597C>T on transcript NM_006231.4 (MANE Select); coding-DNA position 5597, C replaced by T.
Protein change: p.Ala1866Val; replaces alanine 1866 with valine.
Molecular consequence: missense variant.
Genome position (GRCh38, 1-based): chr12:132,638,095, G>A on the plus strand (C>T on the coding strand, the complement: POLE is on the minus strand). VCF-style: chr12-132638095-G-A. GRCh37 (hg19) VCF-style: chr12-133214681-G-A.
Other names: short protein forms A1866V.
Identifiers: ClinVar variation 3781534 (VCV003781534.1).